The following is an entry in ClinVar:

ClinVar aggregate classification (germline): Uncertain significance. Review status: criteria provided, multiple submitters, no conflicts (2 of 4 stars). 3 submissions from 3 submitters: Uncertain significance (3). Last evaluated 2025-11-18.

Conditions:
Familial adenomatous polyposis 1 (FAP1). Also called: FAMILIAL ADENOMATOUS POLYPOSIS 1, ATTENUATED; POLYPOSIS, ADENOMATOUS INTESTINAL. Identifiers: MedGen C2713442, MONDO:0021056, OMIM 175100. Disease mechanism: loss of function.
Hereditary cancer-predisposing syndrome. Also called: Tumor predisposition; Hereditary Cancer Syndrome; Neoplastic Syndromes, Hereditary; Hereditary neoplastic syndrome. Identifiers: Orphanet 140162, MedGen C0027672, MeSH D009386, MONDO:0015356.

Allele frequency attached by ClinVar (database versions not stated): TOPMed below 0.00001; gnomAD 0.00001.
gnomAD v4.1: 1 of 1,613,806 alleles (0.000062%); highest among the groups gnomAD compares: Non-Finnish European, 0.000085%; no homozygotes.

Submissions (3):

Ambry Genetics
Classification: Uncertain significance for Hereditary cancer-predisposing syndrome. Last evaluated: 2025-11-18. Review status: criteria provided, single submitter. Criteria: Ambry Variant Classification Scheme 2023. Collection method: clinical testing. Allele origin: germline.
Comment: The p.S2724A variant (also known as c.8170T>G), located in coding exon 15 of the APC gene, results from a T to G substitution at nucleotide position 8170. The serine at codon 2724 is replaced by alanine, an amino acid with similar properties. This amino acid position is highly conserved in available vertebrate species. In addition, in silico predictors for this gene do not accurately predict pathogenicity. Since supporting evidence is limited at this time, the clinical significance of this alteration remains unclear.

Labcorp Genetics (formerly Invitae), Labcorp
Classification: Uncertain significance for Familial adenomatous polyposis 1. Last evaluated: 2025-11-18. Review status: criteria provided, single submitter. Criteria: Invitae Variant Classification Sherloc (09022015). Collection method: clinical testing. Allele origin: germline.
Comment: This sequence change replaces serine, which is neutral and polar, with alanine, which is neutral and non-polar, at codon 2724 of the APC protein (p.Ser2724Ala). This variant is not present in population databases (gnomAD no frequency). This variant has not been reported in the literature in individuals affected with APC-related conditions. ClinVar contains an entry for this variant (Variation ID: 627810). Invitae Evidence Modeling of protein sequence and biophysical properties (such as structural, functional, and spatial information, amino acid conservation, physicochemical variation, residue mobility, and thermodynamic stability) indicates that this missense variant is not expected to disrupt APC protein function with a negative predictive value of 95%. In summary, the available evidence is currently insufficient to determine the role of this variant in disease. Therefore, it has been classified as a Variant of Uncertain Significance.

Color Diagnostics, LLC DBA Color Health
Classification: Uncertain significance for Hereditary cancer-predisposing syndrome. Last evaluated: 2025-04-02. Review status: criteria provided, single submitter. Criteria: ACMG Guidelines, 2015. Collection method: clinical testing. Allele origin: germline.
Comment: This missense variant replaces serine with alanine at codon 2724 of the APC protein. Computational prediction suggests that this variant may not impact protein structure and function. To our knowledge, functional studies have not been reported for this variant. This variant has not been reported in individuals affected with APC-related disorders in the literature. This variant has not been identified in the general population by the Genome Aggregation Database (gnomAD). The available evidence is insufficient to determine the role of this variant in disease conclusively. Therefore, this variant is classified as a Variant of Uncertain Significance.

NM_000038.6(APC):c.8170T>G (p.Ser2724Ala)

Gene: APC (APC regulator of Wnt signaling pathway; plus strand). Cytogenetic location: 5q22.2.
Variant type: single nucleotide variant.
Coding change: c.8170T>G on transcript NM_000038.6 (MANE Select); coding-DNA position 8170, T replaced by G.
Protein change: p.Ser2724Ala; replaces serine 2724 with alanine.
Molecular consequence: missense variant.
Genome position (GRCh38, 1-based): chr5:112,843,764, T>G. VCF-style: chr5-112843764-T-G. GRCh37 (hg19) VCF-style: chr5-112179461-T-G.
Other names: c.8170T>G, p.Ser2724Ala (NM_001127510.3, NM_001354895.2); c.8116T>G, p.Ser2706Ala (NM_001127511.3); c.8224T>G, p.Ser2742Ala (NM_001354896.2); c.8200T>G, p.Ser2734Ala (NM_001354897.2); c.8095T>G, p.Ser2699Ala (NM_001354898.2); c.8086T>G, p.Ser2696Ala (NM_001354899.2); c.8047T>G, p.Ser2683Ala (NM_001354900.2); c.7993T>G, p.Ser2665Ala (NM_001354901.2); and 5 more; short protein forms S2724A, S2706A, S2633A, S2734A, S2742A, S2564A, S2598A, S2683A.
Identifiers: ClinVar variation 627810 (VCV000627810.19), dbSNP rs750939013, ClinGen allele CA16039066.